The following is an entry in ClinVar:

ClinVar aggregate classification (germline): Benign/Likely benign. Review status: criteria provided, multiple submitters, no conflicts (2 of 4 stars). 11 submissions from 11 submitters: Benign (7); Likely benign (2). 2 of the submissions do not count toward it. Last evaluated 2026-02-04.

Conditions:
Ehlers-Danlos syndrome (EDS). Identifiers: Orphanet 98249, MedGen C0013720, MONDO:0020066.
Familial thoracic aortic aneurysm and aortic dissection (TAAD). Also called: Thoracic aortic aneurysms and dissections. Identifiers: Orphanet 91387, MedGen C4707243, MONDO:0019625.
Congenital contractural arachnodactyly (CCA). Also called: BEALS SYNDROME; Beals-Hecht syndrome; Arthrogryposis, distal, type 9. Identifiers: Orphanet 115, MedGen C0220668, MONDO:0007363, OMIM 121050.

Allele frequency attached by ClinVar (database versions not stated): gnomAD exomes 0.00040 and 0.00116; ExAC 0.00140; gnomAD 0.00403 and 0.00422; TOPMed 0.00440; ESP Exome Variant Server 0.00484; 1000 Genomes Project 0.00579; 1000 Genomes Project 30x 0.00625.
gnomAD v4.1: 1,220 of 1,614,052 alleles (0.076%); highest among the groups gnomAD compares: African/African-American, 1.5%; 8 homozygotes.

Submissions (11):

Labcorp Genetics (formerly Invitae), Labcorp
Classification: Benign for Congenital contractural arachnodactyly. Last evaluated: 2026-02-04. Review status: criteria provided, single submitter. Criteria: Invitae Variant Classification Sherloc (09022015). Collection method: clinical testing. Allele origin: germline.

CeGaT Center for Human Genetics Tuebingen
Classification: Likely benign. Last evaluated: 2025-09-01. Review status: criteria provided, single submitter. Criteria: CeGaT Center For Human Genetics Tuebingen Variant Classification Criteria Version 2. Collection method: clinical testing. Allele origin: germline. Affected: yes. Observed: 1 variant allele.
Comment: FBN2: BP4, BP7, BS1

ARUP Laboratories, Molecular Genetics and Genomics, ARUP Laboratories
Classification: Benign. Last evaluated: 2023-10-18. Review status: criteria provided, single submitter. Criteria: ARUP Molecular Germline Variant Investigation Process 2024. Collection method: clinical testing. Allele origin: germline.

Women's Health and Genetics/Laboratory Corporation of America, LabCorp
Classification: Benign. Last evaluated: 2023-07-21. Review status: criteria provided, single submitter. Criteria: LabCorp Variant Classification Summary - May 2015. Collection method: clinical testing. Allele origin: germline.

Genome Diagnostics Laboratory, The Hospital for Sick Children
Classification: Likely benign for Ehlers-Danlos syndrome. Last evaluated: 2020-02-01. Review status: criteria provided, single submitter. Criteria: ACMG Guidelines, 2015. Collection method: clinical testing. Allele origin: germline.

Illumina Laboratory Services, Illumina
Classification: Benign for Congenital contractural arachnodactyly. Last evaluated: 2018-01-13. Review status: criteria provided, single submitter. Criteria: ICSL Variant Classification Criteria 13 December 2019. Collection method: clinical testing. Allele origin: germline.
Comment: This variant was observed in the ICSL laboratory as part of a predisposition screen in an ostensibly healthy population. It had not been previously curated by ICSL or reported in the Human Gene Mutation Database (HGMD: prior to June 1st, 2018), and was therefore a candidate for classification through an automated scoring system. Utilizing variant allele frequency, disease prevalence and penetrance estimates, and inheritance mode, an automated score was calculated to assess if this variant is too frequent to cause the disease. Based on the score and internal cut-off values, a variant classified as benign is not then subjected to further curation. The score for this variant resulted in a classification of benign for this disease.

Mayo Clinic Laboratories, Mayo Clinic
Classification: Benign. Last evaluated: 2016-02-17. Review status: criteria provided, single submitter. Criteria: ACMG Guidelines, 2015. Collection method: clinical testing. Allele origin: germline. Observed: 3 variant alleles.

Ambry Genetics
Classification: Benign for Familial thoracic aortic aneurysm and aortic dissection. Last evaluated: 2015-09-22. Review status: criteria provided, single submitter. Criteria: Ambry Variant Classification Scheme 2023. Collection method: clinical testing. Allele origin: germline.

GeneDx
Classification: Benign. Last evaluated: 2014-06-23. Review status: criteria provided, single submitter. Criteria: GeneDx Variant Classification (06012015). Collection method: clinical testing. Allele origin: germline. Affected: yes.
Comment: This variant is considered likely benign or benign based on one or more of the following criteria: it is a conservative change, it occurs at a poorly conserved position in the protein, it is predicted to be benign by multiple in silico algorithms, and/or has population frequency not consistent with disease.

Genome Diagnostics Laboratory, Amsterdam University Medical Center
Classification: Benign. Review status: no assertion criteria provided. Collection method: clinical testing. Allele origin: germline. Affected: yes. Study: VKGL Data-share Consensus. Not counted in ClinVar's aggregate classification.

Laboratory of Diagnostic Genome Analysis, Leiden University Medical Center (LUMC)
Classification: Likely benign. Review status: no assertion criteria provided. Collection method: clinical testing. Allele origin: germline. Affected: yes. Study: VKGL Data-share Consensus. Not counted in ClinVar's aggregate classification.

NM_001999.4(FBN2):c.6615C>T (p.Asp2205=)

Gene: FBN2 (fibrillin 2; minus strand). Cytogenetic location: 5q23.3.
Variant type: single nucleotide variant.
Coding change: c.6615C>T on transcript NM_001999.4 (MANE Select); coding-DNA position 6615, C replaced by T.
Protein change: p.Asp2205=; no amino-acid change (aspartic acid 2205 retained).
Molecular consequence: synonymous variant.
Genome position (GRCh38, 1-based): chr5:128,289,149, G>A on the plus strand (C>T on the coding strand, the complement: FBN2 is on the minus strand). VCF-style: chr5-128289149-G-A. GRCh37 (hg19) VCF-style: chr5-127624841-G-A.
Other names: p.Asp2205=.
Identifiers: ClinVar variation 213245 (VCV000213245.40), dbSNP rs28763931, ClinGen allele CA320994.